The following is an entry in ClinVar:

NR_033294.2(SNORD118):n.100T>A

Genes: SNORD118 (small nucleolar RNA, C/D box 118; minus strand), TMEM107 (transmembrane protein 107; minus strand). Cytogenetic location: 17p13.1.
Variant type: single nucleotide variant.
Molecular consequence: 3 prime UTR variant (on NM_183065.4). On other transcripts: non-coding transcript variant (2).
Genome position: GRCh38 VCF-style: chr17-8173489-A-T. GRCh37 (hg19) VCF-style: chr17-8076807-A-T.
Other names: c.*714T>A (NM_001351279.2, NM_001351280.2, NM_032354.5 and 2 more transcripts).
Identifiers: ClinVar variation 1906488 (VCV001906488.5), dbSNP rs757122064, ClinGen allele CA8370633.

ClinVar aggregate classification (germline): Uncertain significance (1 of 4 stars; one submission).

gnomAD v4.1: 6 of 765,142 alleles (0.00078%); highest among the groups gnomAD compares: Admixed American, 0.0034%; no homozygotes.

Submission:

Labcorp Genetics (formerly Invitae), Labcorp
Classification: Uncertain significance. Last evaluated: 2022-11-27. Review status: criteria provided, single submitter. Criteria: Invitae Variant Classification Sherloc (09022015). Collection method: clinical testing. Allele origin: germline.
Comment: This variant occurs in the SNORD118 gene, which encodes an RNA molecule that does not result in a protein product. This variant is present in population databases (rs757122064, gnomAD 0.008%). This variant has not been reported in the literature in individuals affected with SNORD118-related conditions. Experimental studies and prediction algorithms are not available or were not evaluated, and the functional significance of this variant is currently unknown. In summary, the available evidence is currently insufficient to determine the role of this variant in disease. Therefore, it has been classified as a Variant of Uncertain Significance.